The following is an entry in ClinVar:

NM_004304.5(ALK):c.592G>T (p.Val198Leu)

Gene: ALK (ALK receptor tyrosine kinase; minus strand). Cytogenetic location: 2p23.1.
Variant type: single nucleotide variant.
Coding change: c.592G>T on transcript NM_004304.5 (MANE Select); coding-DNA position 592, G replaced by T.
Protein change: p.Val198Leu; replaces valine 198 with leucine.
Molecular consequence: missense variant.
Genome position (GRCh38, 1-based): chr2:29,920,068, C>A on the plus strand (G>T on the coding strand, the complement: ALK is on the minus strand). VCF-style: chr2-29920068-C-A. GRCh37 (hg19) VCF-style: chr2-30142934-C-A.
Other names: short protein forms V198L.
Identifiers: ClinVar variation 1750565 (VCV001750565.8), dbSNP rs77677701, ClinGen allele CA346589728.

ClinVar aggregate classification (germline): Uncertain significance. Review status: criteria provided, multiple submitters, no conflicts (2 of 4 stars). 3 submissions from 3 submitters: Uncertain significance (3). Last evaluated 2026-04-02.

Conditions:
Hereditary cancer-predisposing syndrome. Also called: Neoplastic Syndromes, Hereditary; Tumor predisposition; Hereditary neoplastic syndrome; Hereditary Cancer Syndrome. Identifiers: Orphanet 140162, MedGen C0027672, MeSH D009386, MONDO:0015356.
Neuroblastoma, susceptibility to, 3. Also called: ALK-Related Neuroblastic Tumor Susceptibility. Identifiers: Orphanet 635, MedGen C2751681, MONDO:0013083, OMIM 613014.

Submissions (3):

Dasa
Classification: Uncertain significance. Last evaluated: 2026-04-02. Review status: criteria provided, single submitter. Criteria: DASA Assertion Criteria. Collection method: clinical testing. Allele origin: germline.
Comment: NM_004304.5(ALK):c.592G>T (p.Val198Leu) is a missense variant that results in the substitution of valine with leucine. This variant is rare in population databases. The currently available literature and clinical evidence are not sufficient to establish a definitive association between this variant and the reported condition. Therefore, this variant is classified as a variant of uncertain significance.

Ambry Genetics
Classification: Uncertain significance for Hereditary cancer-predisposing syndrome. Last evaluated: 2025-04-12. Review status: criteria provided, single submitter. Criteria: Ambry Variant Classification Scheme 2023. Collection method: clinical testing. Allele origin: germline.
Comment: The p.V198L variant (also known as c.592G>T), located in coding exon 1 of the ALK gene, results from a G to T substitution at nucleotide position 592. The valine at codon 198 is replaced by leucine, an amino acid with highly similar properties. This amino acid position is conserved. In addition, this alteration is predicted to be tolerated by in silico analysis. Since supporting evidence is limited at this time, the clinical significance of this alteration remains unclear.

Labcorp Genetics (formerly Invitae), Labcorp
Classification: Uncertain significance for Neuroblastoma, susceptibility to, 3. Last evaluated: 2023-10-14. Review status: criteria provided, single submitter. Criteria: Invitae Variant Classification Sherloc (09022015). Collection method: clinical testing. Allele origin: germline.
Comment: This sequence change replaces valine, which is neutral and non-polar, with leucine, which is neutral and non-polar, at codon 198 of the ALK protein (p.Val198Leu). This variant is not present in population databases (gnomAD no frequency). This variant has not been reported in the literature in individuals affected with ALK-related conditions. ClinVar contains an entry for this variant (Variation ID: 1750565). Algorithms developed to predict the effect of missense changes on protein structure and function output the following: SIFT: "Not Available"; PolyPhen-2: "Benign"; Align-GVGD: "Not Available". The leucine amino acid residue is found in multiple mammalian species, which suggests that this missense change does not adversely affect protein function. In summary, the available evidence is currently insufficient to determine the role of this variant in disease. Therefore, it has been classified as a Variant of Uncertain Significance.